The following is an entry in ClinVar:

NM_177438.3(DICER1):c.451A>G (p.Thr151Ala)

Gene: DICER1 (dicer 1, ribonuclease III; minus strand). Cytogenetic location: 14q32.13.
Variant type: single nucleotide variant.
Coding change: c.451A>G on transcript NM_177438.3 (MANE Select); coding-DNA position 451, A replaced by G.
Protein change: p.Thr151Ala; replaces threonine 151 with alanine.
Molecular consequence: missense variant.
Genome position (GRCh38, 1-based): chr14:95,130,180, T>C on the plus strand (A>G on the coding strand, the complement: DICER1 is on the minus strand). VCF-style: chr14-95130180-T-C. GRCh37 (hg19) VCF-style: chr14-95596517-T-C.
Other names: c.451A>G (NM_177438.2); c.451A>G, p.Thr151Ala (NM_001195573.1, NM_001271282.3, NM_001291628.2 and 1 more transcripts); short protein forms T151A.
Identifiers: ClinVar variation 1381954 (VCV001381954.8), dbSNP rs2140267759, ClinGen allele CA390888590.
Genomic context (GRCh38, chr14:95,130,180, plus strand): 5'-GGTTAATGTCTGACAGTGATAAGTAACCATTTTTCAAAACATTCAAGGCGACATAGCAAG[T>C]CATAATGAGAACCTAAAATAAAATCAACATCAGTAAACAAACATAGCATTCACTGCCTGG-3'
Protein context (NP_803187.1, residues 141-161): EFTKHQVLIM[Thr151Ala]CYVALNVLKN

ClinVar aggregate classification (germline): Uncertain significance. Review status: criteria provided, multiple submitters, no conflicts (2 of 4 stars). 2 submissions from 2 submitters: Uncertain significance (2). Last evaluated 2024-04-10.

Conditions:
DICER1-related tumor predisposition. Also called: DICER1 syndrome; DICER1-related pleuropulmonary blastoma cancer predisposition syndrome. Identifiers: Orphanet 284343, MedGen C3839822, MONDO:0100216.
Hereditary cancer-predisposing syndrome. Also called: Tumor predisposition; Hereditary neoplastic syndrome; Neoplastic Syndromes, Hereditary; Hereditary Cancer Syndrome. Identifiers: Orphanet 140162, MedGen C0027672, MeSH D009386, MONDO:0015356.

Submissions (2):

Labcorp Genetics (formerly Invitae), Labcorp
Classification: Uncertain significance for DICER1-related tumor predisposition. Last evaluated: 2024-04-10. Review status: criteria provided, single submitter. Criteria: Invitae Variant Classification Sherloc (09022015). Collection method: clinical testing. Allele origin: germline.
Comment: This sequence change replaces threonine, which is neutral and polar, with alanine, which is neutral and non-polar, at codon 151 of the DICER1 protein (p.Thr151Ala). This variant is not present in population databases (gnomAD no frequency). This variant has not been reported in the literature in individuals affected with DICER1-related conditions. ClinVar contains an entry for this variant (Variation ID: 1381954). Advanced modeling of protein sequence and biophysical properties (such as structural, functional, and spatial information, amino acid conservation, physicochemical variation, residue mobility, and thermodynamic stability) performed at Invitae indicates that this missense variant is expected to disrupt DICER1 protein function with a positive predictive value of 80%. In summary, the available evidence is currently insufficient to determine the role of this variant in disease. Therefore, it has been classified as a Variant of Uncertain Significance.

Ambry Genetics
Classification: Uncertain significance for Hereditary cancer-predisposing syndrome. Last evaluated: 2023-04-14. Review status: criteria provided, single submitter. Criteria: Ambry Variant Classification Scheme 2023. Collection method: clinical testing. Allele origin: germline.
Comment: The p.T151A variant (also known as c.451A>G), located in coding exon 4 of the DICER1 gene, results from an A to G substitution at nucleotide position 451. The threonine at codon 151 is replaced by alanine, an amino acid with similar properties. This amino acid position is conserved. In addition, this alteration is predicted to be deleterious by in silico analysis. Since supporting evidence is limited at this time, the clinical significance of this alteration remains unclear.